The following is an entry in ClinVar:

ClinVar aggregate classification (germline): Uncertain significance (1 of 4 stars; one submission).

Submission:

GeneDx
Classification: Uncertain significance. Last evaluated: 2024-02-04. Review status: criteria provided, single submitter. Criteria: GeneDx Variant Classification Process June 2021. Collection method: clinical testing. Allele origin: germline. Affected: yes.
Comment: Not observed at significant frequency in large population cohorts (gnomAD); In silico analysis supports that this missense variant has a deleterious effect on protein structure/function; This substitution is predicted to be within the C-terminal cytoplasmic domain; Has not been previously published as pathogenic or benign to our knowledge

NM_172107.4(KCNQ2):c.1979G>T (p.Gly660Val)

Gene: KCNQ2 (potassium voltage-gated channel subfamily Q member 2; minus strand). Cytogenetic location: 20q13.33.
Variant type: single nucleotide variant.
Coding change: c.1979G>T on transcript NM_172107.4 (MANE Select); coding-DNA position 1979, G replaced by T.
Protein change: p.Gly660Val; replaces glycine 660 with valine.
Molecular consequence: missense variant.
Genome position (GRCh38, 1-based): chr20:63,407,284, C>A on the plus strand (G>T on the coding strand, the complement: KCNQ2 is on the minus strand). VCF-style: chr20-63407284-C-A. GRCh37 (hg19) VCF-style: chr20-62038637-C-A.
Other names: c.2033G>T, p.Gly678Val (NM_001382235.1); c.1895G>T, p.Gly632Val (NM_004518.6); c.1925G>T, p.Gly642Val (NM_172106.3); c.1886G>T, p.Gly629Val (NM_172108.5); short protein forms G629V, G632V, G642V, G660V, G678V.
Identifiers: ClinVar variation 3368642 (VCV003368642.1).